The following is an entry in ClinVar:

NM_001348800.3(ZBTB20):c.464T>C (p.Ile155Thr)

Gene: ZBTB20 (zinc finger and BTB domain containing 20; minus strand). Cytogenetic location: 3q13.31.
Variant type: single nucleotide variant.
Coding change: c.464T>C on transcript NM_001348800.3 (MANE Select); coding-DNA position 464, T replaced by C.
Protein change: p.Ile155Thr; replaces isoleucine 155 with threonine.
Molecular consequence: missense variant.
Genome position (GRCh38, 1-based): chr3:114,351,614, A>G on the plus strand (T>C on the coding strand, the complement: ZBTB20 is on the minus strand). VCF-style: chr3-114351614-A-G. GRCh37 (hg19) VCF-style: chr3-114070461-A-G.
Other names: c.464T>C, p.Ile155Thr (NM_001164342.2, NM_001348803.3, NM_001393393.1 and 1 more transcripts); c.245T>C, p.Ile82Thr (NM_001164343.2, NM_001164344.4, NM_001164345.4 and 9 more transcripts); short protein forms I155T, I82T.
Identifiers: ClinVar variation 3383887 (VCV003383887.1).
Genomic context (GRCh38, chr3:114,351,614, plus strand): 5'-GTGAGGATCTGCAGAGCTTCCGACTGCGAGACCCGTAGCACGCCGCTGTACATGAAGTCA[A>G]TGAGCTTTTGCACTGACTGCACTGACACCACCGACGGGATCTCGATGTCGCTGTAGCCAA-3'
Protein context (NP_001335729.1, residues 145-165): VVSVQSVQKL[Ile155Thr]DFMYSGVLRV

ClinVar aggregate classification (germline): Uncertain significance (1 of 4 stars; one submission).

Submission:

GeneDx
Classification: Uncertain significance. Last evaluated: 2024-05-30. Review status: criteria provided, single submitter. Criteria: GeneDx Variant Classification Process June 2021. Collection method: clinical testing. Allele origin: germline. Affected: yes.
Comment: Not observed at significant frequency in large population cohorts (gnomAD); In silico analysis indicates that this missense variant does not alter protein structure/function; Has not been previously published as pathogenic or benign to our knowledge